The following is an entry in ClinVar:

NM_015346.4(ZFYVE26):c.5880G>T (p.Arg1960Ser)

Gene: ZFYVE26 (zinc finger FYVE-type containing 26; minus strand). Cytogenetic location: 14q24.1.
Variant type: single nucleotide variant.
Coding change: c.5880G>T on transcript NM_015346.4 (MANE Select); coding-DNA position 5880, G replaced by T.
Protein change: p.Arg1960Ser; replaces arginine 1960 with serine.
Molecular consequence: missense variant.
Genome position (GRCh38, 1-based): chr14:67,766,358, C>A on the plus strand (G>T on the coding strand, the complement: ZFYVE26 is on the minus strand). VCF-style: chr14-67766358-C-A. GRCh37 (hg19) VCF-style: chr14-68233075-C-A.
Other names: short protein forms R1960S.
Identifiers: ClinVar variation 188081 (VCV000188081.6), dbSNP rs751183425, ClinGen allele CA333993.

ClinVar aggregate classification (germline): Uncertain significance (1 of 4 stars; one submission).

Conditions:
Spastic paraplegia. Identifiers: MedGen C0037772, HP:0001258.

Allele frequency attached by ClinVar (database versions not stated): TOPMed below 0.00001.
gnomAD v4.1: 5 of 1,613,158 alleles (0.00031%); highest among the groups gnomAD compares: Non-Finnish European, 0.00042%; no homozygotes.

Submission:

Labcorp Genetics (formerly Invitae), Labcorp
Classification: Uncertain significance for Spastic paraplegia. Last evaluated: 2021-08-27. Review status: criteria provided, single submitter. Criteria: Invitae Variant Classification Sherloc (09022015). Collection method: clinical testing. Allele origin: germline.
Comment: This sequence change replaces arginine with serine at codon 1960 of the ZFYVE26 protein (p.Arg1960Ser). The arginine residue is moderately conserved and there is a moderate physicochemical difference between arginine and serine. This variant is not present in population databases (ExAC no frequency). This variant has not been reported in the literature in individuals affected with ZFYVE26-related conditions. Algorithms developed to predict the effect of missense changes on protein structure and function (SIFT, PolyPhen-2, Align-GVGD) all suggest that this variant is likely to be tolerated. In summary, the available evidence is currently insufficient to determine the role of this variant in disease. Therefore, it has been classified as a Variant of Uncertain Significance.